The following is an entry in ClinVar:

ClinVar aggregate classification (germline): Conflicting classifications of pathogenicity. Review status: criteria provided, conflicting classifications (1 of 4 stars). 2 submissions from 2 submitters: Uncertain significance (1); Likely benign (1). Last evaluated 2024-05-16.

Conditions:
Hereditary cancer-predisposing syndrome. Also called: Tumor predisposition; Hereditary Cancer Syndrome; Hereditary neoplastic syndrome; Neoplastic Syndromes, Hereditary. Identifiers: Orphanet 140162, MedGen C0027672, MeSH D009386, MONDO:0015356.
Renal cell carcinoma. Identifiers: Orphanet 217071, MedGen C0007134, MeSH D002292, MONDO:0005086, HP:0005584.

Submissions (2):

Ambry Genetics
Classification: Likely benign for Hereditary cancer-predisposing syndrome. Last evaluated: 2024-05-16. Review status: criteria provided, single submitter. Criteria: Ambry Variant Classification Scheme 2023. Collection method: clinical testing. Allele origin: germline.

Labcorp Genetics (formerly Invitae), Labcorp
Classification: Uncertain significance for Renal cell carcinoma. Last evaluated: 2024-04-08. Review status: criteria provided, single submitter. Criteria: Invitae Variant Classification Sherloc (09022015). Collection method: clinical testing. Allele origin: germline.
Comment: This sequence change replaces asparagine, which is neutral and polar, with serine, which is neutral and polar, at codon 680 of the MET protein (p.Asn680Ser). This variant is not present in population databases (gnomAD no frequency). This variant has not been reported in the literature in individuals affected with MET-related conditions. Advanced modeling of protein sequence and biophysical properties (such as structural, functional, and spatial information, amino acid conservation, physicochemical variation, residue mobility, and thermodynamic stability) performed at Invitae indicates that this missense variant is not expected to disrupt MET protein function with a negative predictive value of 80%. In summary, the available evidence is currently insufficient to determine the role of this variant in disease. Therefore, it has been classified as a Variant of Uncertain Significance.

NM_000245.4(MET):c.2039A>G (p.Asn680Ser)

Gene: MET (MET proto-oncogene, receptor tyrosine kinase; plus strand). Cytogenetic location: 7q31.2.
Variant type: single nucleotide variant.
Coding change: c.2039A>G on transcript NM_000245.4 (MANE Select); coding-DNA position 2039, A replaced by G.
Protein change: p.Asn680Ser; replaces asparagine 680 with serine.
Molecular consequence: missense variant.
Genome position (GRCh38, 1-based): chr7:116,757,711, A>G. VCF-style: chr7-116757711-A-G. GRCh37 (hg19) VCF-style: chr7-116397765-A-G.
Other names: c.2039A>G, p.Asn680Ser (NM_001127500.3, NM_001324401.3); c.749A>G, p.Asn250Ser (NM_001324402.2); short protein forms N250S, N680S.
Identifiers: ClinVar variation 3294347 (VCV003294347.3).